The following is an entry in ClinVar:

ClinVar aggregate classification (germline): Likely benign (0 of 4 stars; one submission).

Conditions:
GLI2-related disorder. Also called: GLI2-related disorders; GLI2-related condition.

Submission:

PreventionGenetics, part of Exact Sciences
Classification: Likely benign for GLI2-related condition. Last evaluated: 2023-01-09. Review status: no assertion criteria provided. Collection method: clinical testing. Allele origin: germline.
Comment: This variant is classified as likely benign based on ACMG/AMP sequence variant interpretation guidelines (Richards et al. 2015 PMID: 25741868, with internal and published modifications).

NM_001374353.1(GLI2):c.813T>G (p.Gly271=)

Gene: GLI2 (GLI family zinc finger 2; plus strand). Cytogenetic location: 2q14.2.
Variant type: single nucleotide variant.
Coding change: c.813T>G on transcript NM_001374353.1 (MANE Select); coding-DNA position 813, T replaced by G.
Protein change: p.Gly271=; no amino-acid change (glycine 271 retained).
Molecular consequence: synonymous variant.
Genome position (GRCh38, 1-based): chr2:120,968,883, T>G. VCF-style: chr2-120968883-T-G. GRCh37 (hg19) VCF-style: chr2-121726459-T-G.
Other names: c.813T>G, p.Gly271= (NM_001371271.1, NM_005270.5); c.438T>G, p.Gly146= (NM_001374354.1).
Identifiers: ClinVar variation 3031761 (VCV003031761.2), dbSNP rs1573698588, ClinGen allele CA348166561.